The following is an entry in ClinVar:

NM_057088.3(KRT3):c.56G>A (p.Arg19His)

Gene: KRT3 (keratin 3; minus strand). Cytogenetic location: 12q13.13.
Variant type: single nucleotide variant.
Coding change: c.56G>A on transcript NM_057088.3 (MANE Select); coding-DNA position 56, G replaced by A.
Protein change: p.Arg19His; replaces arginine 19 with histidine.
Molecular consequence: missense variant.
Genome position (GRCh38, 1-based): chr12:52,795,987, C>T on the plus strand (G>A on the coding strand, the complement: KRT3 is on the minus strand). VCF-style: chr12-52795987-C-T. GRCh37 (hg19) VCF-style: chr12-53189771-C-T.
Other names: c.56G>A (NM_057088.2); short protein forms R19H.
Identifiers: ClinVar variation 2718643 (VCV002718643.4), dbSNP rs376108603, ClinGen allele CA6588316.

ClinVar aggregate classification (germline): Uncertain significance. Review status: criteria provided, multiple submitters, no conflicts (2 of 4 stars). 2 submissions from 2 submitters: Uncertain significance (2). Last evaluated 2025-12-17.

Allele frequency attached by ClinVar (database versions not stated): ExAC 0.00011; TOPMed 0.00008; gnomAD 0.00005; ESP Exome Variant Server 0.00008.

Submissions (2):

Labcorp Genetics (formerly Invitae), Labcorp
Classification: Uncertain significance. Last evaluated: 2025-12-17. Review status: criteria provided, single submitter. Criteria: Invitae Variant Classification Sherloc (09022015). Collection method: clinical testing. Allele origin: germline.
Comment: This sequence change replaces arginine, which is basic and polar, with histidine, which is basic and polar, at codon 19 of the KRT3 protein (p.Arg19His). This variant is present in population databases (rs376108603, gnomAD 0.03%). This variant has not been reported in the literature in individuals affected with KRT3-related conditions. ClinVar contains an entry for this variant (Variation ID: 2718643). Invitae Evidence Modeling of protein sequence and biophysical properties (such as structural, functional, and spatial information, amino acid conservation, physicochemical variation, residue mobility, and thermodynamic stability) indicates that this missense variant is not expected to disrupt KRT3 protein function with a negative predictive value of 95%. In summary, the available evidence is currently insufficient to determine the role of this variant in disease. Therefore, it has been classified as a Variant of Uncertain Significance.

Ambry Genetics
Classification: Uncertain significance. Last evaluated: 2024-05-14. Review status: criteria provided, single submitter. Criteria: Ambry Variant Classification Scheme 2023. Collection method: clinical testing. Allele origin: germline.